The following is an entry in ClinVar:

NM_003114.5(SPAG1):c.543G>A (p.Thr181=)

Gene: SPAG1 (sperm associated antigen 1; plus strand). Cytogenetic location: 8q22.2.
Variant type: single nucleotide variant.
Coding change: c.543G>A on transcript NM_003114.5 (MANE Select); coding-DNA position 543, G replaced by A.
Protein change: p.Thr181=; no amino-acid change (threonine 181 retained).
Molecular consequence: synonymous variant.
Genome position (GRCh38, 1-based): chr8:100,184,010, G>A. VCF-style: chr8-100184010-G-A. GRCh37 (hg19) VCF-style: chr8-101196238-G-A.
Other names: c.543G>A (NM_172218.2); c.543G>A, p.Thr181= (NM_001374321.1, NM_172218.3).
Identifiers: ClinVar variation 2911609 (VCV002911609.6), dbSNP rs1056605409, ClinGen allele CA182364184.
Genomic context (GRCh38, chr8:100,184,010, plus strand): 5'-TTTAAGATTTGACGTGGAGAAGGAATGTTTAAAAATTGATGAAGATTACAAAGAAAAGAC[G>A]GTAATAGACAAGTCACACTTGTCTAAAATTGAGACAAGAATAGATACAGCAGGTAATTGG-3'
Protein context (NP_003105.2, residues 171-191): LKIDEDYKEK[Thr181=]VIDKSHLSKI

ClinVar aggregate classification (germline): Likely benign. Review status: criteria provided, multiple submitters, no conflicts (2 of 4 stars). 3 submissions from 3 submitters: Likely benign (2). 1 of the submissions does not count toward it. Last evaluated 2024-06-30.

Conditions:
SPAG1-related disorder. Also called: SPAG1-related condition.
Primary ciliary dyskinesia 28. Also called: CILIARY DYSKINESIA, PRIMARY, 28, WITH OR WITHOUT SITUS INVERSUS. Identifiers: Orphanet 244, MedGen C3809706, MONDO:0014216, OMIM 615505.
Primary ciliary dyskinesia. Also called: Ciliary dyskinesia. Identifiers: Orphanet 244, MedGen C0008780, MONDO:0016575, HP:0012265.

Allele frequency attached by ClinVar (database versions not stated): gnomAD 0.00001; gnomAD exomes 0.00002; TOPMed 0.00002.
gnomAD v4.1: 26 of 1,543,072 alleles (0.0017%); highest among the groups gnomAD compares: African/African-American, 0.0028%; no homozygotes.

Submissions (3):

Ambry Genetics
Classification: Likely benign for Primary ciliary dyskinesia. Last evaluated: 2024-06-30. Review status: criteria provided, single submitter. Criteria: Ambry Variant Classification Scheme 2023. Collection method: clinical testing. Allele origin: germline.

Labcorp Genetics (formerly Invitae), Labcorp
Classification: Likely benign for Primary ciliary dyskinesia 28. Last evaluated: 2024-04-25. Review status: criteria provided, single submitter. Criteria: Invitae Variant Classification Sherloc (09022015). Collection method: clinical testing. Allele origin: germline.

PreventionGenetics, part of Exact Sciences
Classification: Likely benign for SPAG1-related condition. Last evaluated: 2019-07-16. Review status: no assertion criteria provided. Collection method: clinical testing. Allele origin: germline. Not counted in ClinVar's aggregate classification.
Comment: This variant is classified as likely benign based on ACMG/AMP sequence variant interpretation guidelines (Richards et al. 2015 PMID: 25741868, with internal and published modifications).